The following is an entry in ClinVar:

NM_006231.4(POLE):c.829G>C (p.Glu277Gln)

Gene: POLE (DNA polymerase epsilon, catalytic subunit; minus strand). Cytogenetic location: 12q24.33.
Variant type: single nucleotide variant.
Coding change: c.829G>C on transcript NM_006231.4 (MANE Select); coding-DNA position 829, G replaced by C.
Protein change: p.Glu277Gln; replaces glutamic acid 277 with glutamine.
Molecular consequence: missense variant.
Genome position (GRCh38, 1-based): chr12:132,676,626, C>G on the plus strand (G>C on the coding strand, the complement: POLE is on the minus strand). VCF-style: chr12-132676626-C-G. GRCh37 (hg19) VCF-style: chr12-133253212-C-G.
Other names: short protein forms E277Q.
Identifiers: ClinVar variation 1762801 (VCV001762801.2), dbSNP rs2043059721, ClinGen allele CA387364330.

ClinVar aggregate classification (germline): Uncertain significance (1 of 4 stars; one submission).

Conditions:
Hereditary cancer-predisposing syndrome. Also called: Neoplastic Syndromes, Hereditary; Tumor predisposition; Hereditary Cancer Syndrome; Hereditary neoplastic syndrome. Identifiers: Orphanet 140162, MedGen C0027672, MeSH D009386, MONDO:0015356.

Submission:

Ambry Genetics
Classification: Uncertain significance for Hereditary cancer-predisposing syndrome. Last evaluated: 2020-11-03. Review status: criteria provided, single submitter. Criteria: Ambry Variant Classification Scheme 2023. Collection method: clinical testing. Allele origin: germline.
Comment: The p.E277Q variant (also known as c.829G>C), located in coding exon 9 of the POLE gene, results from a G to C substitution at nucleotide position 829. The glutamic acid at codon 277 is replaced by glutamine, an amino acid with highly similar properties. This amino acid position is highly conserved in available vertebrate species. In addition, the in silico prediction for this alteration is inconclusive. Since supporting evidence is limited at this time, the clinical significance of this alteration remains unclear.